The following is an entry in ClinVar:

NM_130837.3(OPA1):c.997T>G (p.Tyr333Asp)

Gene: OPA1 (OPA1 mitochondrial dynamin like GTPase; plus strand). Cytogenetic location: 3q29.
Variant type: single nucleotide variant.
Coding change: c.997T>G on transcript NM_130837.3 (MANE Select); coding-DNA position 997, T replaced by G.
Protein change: p.Tyr333Asp; replaces tyrosine 333 with aspartic acid.
Molecular consequence: missense variant.
Genome position (GRCh38, 1-based): chr3:193,637,243, T>G. VCF-style: chr3-193637243-T-G. GRCh37 (hg19) VCF-style: chr3-193355032-T-G.
Other names: c.463T>G, p.Tyr155Asp (NM_001354663.2); c.460T>G, p.Tyr154Asp (NM_001354664.2); c.832T>G, p.Tyr278Asp (NM_015560.3); c.724T>G, p.Tyr242Asp (NM_130831.3); c.778T>G, p.Tyr260Asp (NM_130832.3); c.835T>G, p.Tyr279Asp (NM_130833.3); c.886T>G, p.Tyr296Asp (NM_130834.3); c.889T>G, p.Tyr297Asp (NM_130835.3); and 1 more; short protein forms Y154D, Y155D, Y242D, Y260D, Y278D, Y279D, Y296D, Y297D.
Identifiers: ClinVar variation 3377423 (VCV003377423.1).

ClinVar aggregate classification (germline): Uncertain significance (1 of 4 stars; one submission).

Conditions:
Optic atrophy with or without deafness, ophthalmoplegia, myopathy, ataxia, and neuropathy. Also called: OPTIC ATROPHY PLUS SYNDROME. Identifiers: MedGen C3276549, MONDO:0007429, OMIM 125250.

Submission:

Victorian Clinical Genetics Services, Murdoch Childrens Research Institute
Classification: Uncertain significance for Optic atrophy with or without deafness, ophthalmoplegia, myopathy, ataxia, and neuropathy. Last evaluated: 2020-05-21. Review status: criteria provided, single submitter. Criteria: ACMG Guidelines, 2015. Collection method: clinical testing. Allele origin: germline.
Comment: Based on the classification scheme VCGS_Germline_v1.1.1, this variant is classified as 3B-VUS. Following criteria are met: 0102 - Loss-of-function is a known mechanism of disease for this gene. (N) 0108 - This gene is known to be associated with autosomal recessive Behr syndrome and autosomal dominant optic atrophy and syndromic optic atrophy (OMIM). (N) 0112 - Variants in this gene are known to have reduced penetrance (PMID: 17306754). (N) 0200 - Variant is predicted to result in a missense amino acid change from a tyrosine to an aspartic acid (exon 8). (N) 0251 - Variant is heterozygous. (N) 0301 - Variant is absent from gnomAD. (P) 0501 - Missense variant consistently predicted to be damaging by in-silico tools and is very highly conserved with a major amino acid change. (P) 0600 - Variant is located in Dynamin-type G domain (UniProt). (N) 0705 - No comparable variants have previous evidence for pathogenicity. (N) 0807 - Variant has not previously been reported in a clinical context. (N) 0905 - No segregation evidence has been identified for this variant. (N) 1007 - No published functional evidence has been identified for this variant. (N) 1208 - Inheritance information for this variant is not currently available. (N) Legend: (P) - Pathogenic, (N) - Neutral, (B) - Benign

Literature cited by the submitters: PubMed 17306754.